The following is an entry in ClinVar:

ClinVar aggregate classification (germline): Conflicting classifications of pathogenicity. Review status: criteria provided, conflicting classifications (1 of 4 stars). 4 submissions from 4 submitters: Uncertain significance (3); Likely benign (1). Last evaluated 2024-09-15.

Conditions:
Familial melanoma. Also called: Hereditary melanoma; Hereditary cutaneous melanoma. Identifiers: Orphanet 618, MedGen C1512419, MONDO:0018961.
Hereditary cancer-predisposing syndrome. Also called: Tumor predisposition; Hereditary Cancer Syndrome; Neoplastic Syndromes, Hereditary; Hereditary neoplastic syndrome. Identifiers: Orphanet 140162, MedGen C0027672, MeSH D009386, MONDO:0015356.

gnomAD v4.1: 10 of 1,613,038 alleles (0.00062%); highest among the groups gnomAD compares: Non-Finnish European, 0.00085%; no homozygotes.

Submissions (4):

Labcorp Genetics (formerly Invitae), Labcorp
Classification: Uncertain significance for Familial melanoma. Last evaluated: 2024-09-15. Review status: criteria provided, single submitter. Criteria: Invitae Variant Classification Sherloc (09022015). Collection method: clinical testing. Allele origin: germline.
Comment: This sequence change replaces alanine, which is neutral and non-polar, with threonine, which is neutral and polar, at codon 34 of the CDKN2A (p16INK4a) protein (p.Ala34Thr). This variant is not present in population databases (gnomAD no frequency). This variant has not been reported in the literature in individuals affected with CDKN2A (p16INK4a)-related conditions. ClinVar contains an entry for this variant (Variation ID: 489862). An algorithm developed to predict the effect of missense changes on protein structure and function (PolyPhen-2) suggests that this variant is likely to be tolerated. In summary, the available evidence is currently insufficient to determine the role of this variant in disease. Therefore, it has been classified as a Variant of Uncertain Significance.

Blueprint Genetics
Classification: Likely benign. Last evaluated: 2024-06-03. Review status: criteria provided, single submitter. Criteria: ACMG Guidelines, 2015. Collection method: clinical testing. Allele origin: germline.

Ambry Genetics
Classification: Uncertain significance for Hereditary cancer-predisposing syndrome. Last evaluated: 2021-07-22. Review status: criteria provided, single submitter. Criteria: Ambry Variant Classification Scheme 2023. Collection method: clinical testing. Allele origin: germline.
Comment: The p.A34T variant (also known as c.100G>A), located in coding exon 1 of the CDKN2A gene, results from a G to A substitution at nucleotide position 100. The alanine at codon 34 is replaced by threonine, an amino acid with similar properties. This amino acid position is not well conserved in available vertebrate species. In addition, the in silico prediction for this alteration is inconclusive. Since supporting evidence is limited at this time, the clinical significance of this alteration remains unclear.

Color Diagnostics, LLC DBA Color Health
Classification: Uncertain significance for Hereditary cancer-predisposing syndrome. Last evaluated: 2019-11-07. Review status: criteria provided, single submitter. Criteria: ACMG Guidelines, 2015. Collection method: clinical testing. Allele origin: germline.
Comment: This missense variant replaces alanine with threonine at codon 34 of the CDKN2A (p16INK4A) protein. Computational prediction suggests that this variant may not impact protein structure and function (internally defined REVEL score threshold <= 0.5, PMID: 27666373). Splice site prediction tools suggest that this variant may not impact RNA splicing. To our knowledge, functional studies have not been performed for this variant. This variant has not been reported in individuals affected with hereditary cancer in the literature. This variant has not been identified in the general population by the Genome Aggregation Database (gnomAD). The available evidence is insufficient to determine the role of this variant in disease conclusively. Therefore, this variant is classified as a Variant of Uncertain Significance.

NM_000077.5(CDKN2A):c.100G>A (p.Ala34Thr)

Gene: CDKN2A (cyclin dependent kinase inhibitor 2A; minus strand). Cytogenetic location: 9p21.3.
Variant type: single nucleotide variant.
Coding change: c.100G>A on transcript NM_000077.5; coding-DNA position 100, G replaced by A.
Protein change: p.Ala34Thr; replaces alanine 34 with threonine.
Molecular consequence: missense variant (on NM_000077.6). On other transcripts: intron variant (2).
Genome position (GRCh38, 1-based): chr9:21,974,728, C>T on the plus strand (G>A on the coding strand, the complement: CDKN2A is on the minus strand). VCF-style: chr9-21974728-C-T. GRCh37 (hg19) VCF-style: chr9-21974727-C-T.
Other names: c.100G>A, p.Ala34Thr (NM_000077.6, NM_001195132.2, NM_058197.5); c.-3-3520G>A (NM_001363763.2); c.194-3520G>A (NM_058195.4); short protein forms A34T.
Identifiers: ClinVar variation 489862 (VCV000489862.17), dbSNP rs1554656349, ClinGen allele CA373086564.